The following is an entry in ClinVar:

NM_006941.4(SOX10):c.205C>T (p.Pro69Ser)

Genes: POLR2F (RNA polymerase II, I and III subunit F; plus strand), SOX10 (SRY-box transcription factor 10; minus strand). Cytogenetic location: 22q13.1.
Variant type: single nucleotide variant.
Coding change: c.205C>T on transcript NM_006941.4 (MANE Select); coding-DNA position 205, C replaced by T.
Protein change: p.Pro69Ser; replaces proline 69 with serine.
Molecular consequence: missense variant. On other transcripts: intron variant (3).
Genome position (GRCh38, 1-based): chr22:37,983,580, G>A on the plus strand (C>T on the coding strand, the complement: SOX10 is on the minus strand). VCF-style: chr22-37983580-G-A. GRCh37 (hg19) VCF-style: chr22-38379587-G-A.
Other names: c.*38+11270G>A (NM_001363825.1); c.294-2574G>A (NM_001301130.2); c.293+16410G>A (NM_001301131.2); short protein forms P69S.
Identifiers: ClinVar variation 3371661 (VCV003371661.1).

ClinVar aggregate classification (germline): Uncertain significance (1 of 4 stars; one submission).

gnomAD v4.1: 2 of 1,610,288 alleles (0.00012%); highest among the groups gnomAD compares: Non-Finnish European, 0.000085%; no homozygotes.

Submission:

GeneDx
Classification: Uncertain significance. Last evaluated: 2024-04-03. Review status: criteria provided, single submitter. Criteria: GeneDx Variant Classification Process June 2021. Collection method: clinical testing. Allele origin: germline. Affected: yes.
Comment: Not observed at significant frequency in large population cohorts (gnomAD); In silico analysis supports that this missense variant has a deleterious effect on protein structure/function; Has not been previously published as pathogenic or benign to our knowledge